The following is an entry in ClinVar:

NM_004655.4(AXIN2):c.2484C>T (p.Leu828=)

Gene: AXIN2 (axin 2; minus strand). Cytogenetic location: 17q24.1.
Variant type: single nucleotide variant.
Coding change: c.2484C>T on transcript NM_004655.4 (MANE Select); coding-DNA position 2484, C replaced by T.
Protein change: p.Leu828=; no amino-acid change (leucine 828 retained).
Molecular consequence: synonymous variant.
Genome position (GRCh38, 1-based): chr17:65,530,024, G>A on the plus strand (C>T on the coding strand, the complement: AXIN2 is on the minus strand). VCF-style: chr17-65530024-G-A. GRCh37 (hg19) VCF-style: chr17-63526142-G-A.
Other names: c.2289C>T, p.Leu763= (NM_001363813.1); c.2484C>T (LRG_296t1).
Identifiers: ClinVar variation 533243 (VCV000533243.16), dbSNP rs372266221, ClinGen allele CA8718279.

ClinVar aggregate classification (germline): Benign/Likely benign. Review status: criteria provided, multiple submitters, no conflicts (2 of 4 stars). 5 submissions from 5 submitters: Benign (1); Likely benign (4). Last evaluated 2026-01-05.

Conditions:
Oligodontia-cancer predisposition syndrome. Also called: TOOTH AGENESIS-COLORECTAL CANCER SYNDROME. Identifiers: Orphanet 300576, MedGen C1837750, MONDO:0012075, OMIM 608615. Disease mechanism: loss of function.
Hereditary cancer-predisposing syndrome. Also called: Hereditary neoplastic syndrome; Neoplastic Syndromes, Hereditary; Tumor predisposition; Hereditary Cancer Syndrome. Identifiers: Orphanet 140162, MedGen C0027672, MeSH D009386, MONDO:0015356.

Allele frequency attached by ClinVar (database versions not stated): gnomAD exomes 0.00001; ExAC 0.00002; gnomAD 0.00004 and 0.00005; TOPMed 0.00007; ESP Exome Variant Server 0.00008.
gnomAD v4.1: 13 of 1,614,048 alleles (0.00081%); highest among the groups gnomAD compares: African/African-American, 0.017%; no homozygotes.

Submissions (5):

Labcorp Genetics (formerly Invitae), Labcorp
Classification: Likely benign for Oligodontia-cancer predisposition syndrome. Last evaluated: 2026-01-05. Review status: criteria provided, single submitter. Criteria: Invitae Variant Classification Sherloc (09022015). Collection method: clinical testing. Allele origin: germline.

Quest Diagnostics Nichols Institute San Juan Capistrano
Classification: Likely benign. Last evaluated: 2025-05-02. Review status: criteria provided, single submitter. Criteria: Quest Diagnostics criteria. Collection method: clinical testing. Allele origin: unknown.

Myriad Genetics, Inc.
Classification: Benign for Oligodontia-cancer predisposition syndrome. Last evaluated: 2024-07-11. Review status: criteria provided, single submitter. Criteria: Myriad Autosomal Dominant, Autosomal Recessive and X-Linked Classification Criteria (2023). Collection method: clinical testing. Allele origin: unknown.
Comment: This variant is considered benign. This variant is a silent/synonymous amino acid change and it is not expected to impact splicing.

Sema4
Classification: Likely benign for Hereditary cancer-predisposing syndrome. Last evaluated: 2021-12-15. Review status: criteria provided, single submitter. Criteria: Sema4 Curation Guidelines. Collection method: curation. Allele origin: germline.

Ambry Genetics
Classification: Likely benign for Hereditary cancer-predisposing syndrome. Last evaluated: 2020-10-23. Review status: criteria provided, single submitter. Criteria: Ambry Variant Classification Scheme 2023. Collection method: clinical testing. Allele origin: germline.